The following is an entry in ClinVar:

ClinVar aggregate classification (germline): Uncertain significance (1 of 4 stars; one submission).

Conditions:
Atrial fibrillation, familial, 18 (ATFB18). Identifiers: MedGen C4310636, MONDO:0015001, OMIM 617280.

gnomAD v4.1: 2 of 1,614,238 alleles (0.00012%); highest among the groups gnomAD compares: Non-Finnish European, 0.00017%; no homozygotes.

Submission:

Labcorp Genetics (formerly Invitae), Labcorp
Classification: Uncertain significance for Atrial fibrillation, familial, 18. Last evaluated: 2022-04-11. Review status: criteria provided, single submitter. Criteria: Invitae Variant Classification Sherloc (09022015). Collection method: clinical testing. Allele origin: germline.
Comment: This sequence change replaces glutamic acid, which is acidic and polar, with aspartic acid, which is acidic and polar, at codon 70 of the MYL4 protein (p.Glu70Asp). This variant is not present in population databases (gnomAD no frequency). This variant has not been reported in the literature in individuals affected with MYL4-related conditions. ClinVar contains an entry for this variant (Variation ID: 960717). Algorithms developed to predict the effect of missense changes on protein structure and function (SIFT, PolyPhen-2, Align-GVGD) all suggest that this variant is likely to be tolerated. In summary, the available evidence is currently insufficient to determine the role of this variant in disease. Therefore, it has been classified as a Variant of Uncertain Significance.

NM_002476.2(MYL4):c.210G>T (p.Glu70Asp)

Gene: MYL4 (myosin light chain 4; plus strand). Cytogenetic location: 17q21.32.
Variant type: single nucleotide variant.
Coding change: c.210G>T on transcript NM_002476.2 (MANE Select); coding-DNA position 210, G replaced by T.
Protein change: p.Glu70Asp; replaces glutamic acid 70 with aspartic acid.
Molecular consequence: missense variant.
Genome position (GRCh38, 1-based): chr17:47,219,950, G>T. VCF-style: chr17-47219950-G-T. GRCh37 (hg19) VCF-style: chr17-45297316-G-T.
Other names: c.210G>T, p.Glu70Asp (NM_001002841.2); short protein forms E70D.
Identifiers: ClinVar variation 960717 (VCV000960717.10), dbSNP rs868718115, ClinGen allele CA400020892.